The following is an entry in ClinVar:

NM_000384.3(APOB):c.962A>C (p.Gln321Pro)

Gene: APOB (apolipoprotein B; minus strand). Cytogenetic location: 2p24.1.
Variant type: single nucleotide variant.
Coding change: c.962A>C on transcript NM_000384.3 (MANE Select); coding-DNA position 962, A replaced by C.
Protein change: p.Gln321Pro; replaces glutamine 321 with proline.
Molecular consequence: missense variant.
Genome position (GRCh38, 1-based): chr2:21,033,461, T>G on the plus strand (A>C on the coding strand, the complement: APOB is on the minus strand). VCF-style: chr2-21033461-T-G. GRCh37 (hg19) VCF-style: chr2-21256333-T-G.
Other names: short protein forms Q321P.
Identifiers: ClinVar variation 2451302 (VCV002451302.2), dbSNP rs2465436003, ClinGen allele CA345959226.

ClinVar aggregate classification (germline): Uncertain significance (1 of 4 stars; one submission).

Conditions:
Cardiovascular phenotype. Identifiers: MedGen CN230736.

Submission:

Ambry Genetics
Classification: Uncertain significance for Cardiovascular phenotype. Last evaluated: 2022-12-24. Review status: criteria provided, single submitter. Criteria: Ambry Variant Classification Scheme 2023. Collection method: clinical testing. Allele origin: germline.
Comment: The p.Q321P variant (also known as c.962A>C), located in coding exon 9 of the APOB gene, results from an A to C substitution at nucleotide position 962. The glutamine at codon 321 is replaced by proline, an amino acid with similar properties. This amino acid position is conserved. In addition, this alteration is predicted to be tolerated by in silico analysis. Since supporting evidence is limited at this time, the clinical significance of this alteration remains unclear.